The following is an entry in ClinVar:

NM_000383.4(AIRE):c.733A>C (p.Lys245Gln)

Gene: AIRE (autoimmune regulator; plus strand). Cytogenetic location: 21q22.3.
Variant type: single nucleotide variant.
Coding change: c.733A>C on transcript NM_000383.4 (MANE Select); coding-DNA position 733, A replaced by C.
Protein change: p.Lys245Gln; replaces lysine 245 with glutamine.
Molecular consequence: missense variant.
Genome position (GRCh38, 1-based): chr21:44,289,737, A>C. VCF-style: chr21-44289737-A-C. GRCh37 (hg19) VCF-style: chr21-45709620-A-C.
Other names: short protein forms K245Q.
Identifiers: ClinVar variation 3637841 (VCV003637841.2).

ClinVar aggregate classification (germline): Uncertain significance (1 of 4 stars; one submission).

Conditions:
Polyglandular autoimmune syndrome, type 1 (APS1). Also called: HYPOADRENOCORTICISM WITH HYPOPARATHYROIDISM AND SUPERFICIAL MONILIASIS; PGA I; AUTOIMMUNE POLYENDOCRINE SYNDROME, TYPE I, WITH OR WITHOUT REVERSIBLE METAPHYSEAL DYSPLASIA; APS I; Autoimmune polyendocrinopathy syndrome , type I, with or without reversible metaphyseal dysplasia; Whitaker syndrome. Identifiers: Orphanet 3453, MedGen C0085859, MONDO:0009411, OMIM 240300.

Submission:

Labcorp Genetics (formerly Invitae), Labcorp
Classification: Uncertain significance for Polyglandular autoimmune syndrome, type 1. Last evaluated: 2024-12-24. Review status: criteria provided, single submitter. Criteria: Invitae Variant Classification Sherloc (09022015). Collection method: clinical testing. Allele origin: germline.
Comment: This sequence change replaces lysine, which is basic and polar, with glutamine, which is neutral and polar, at codon 245 of the AIRE protein (p.Lys245Gln). This variant is not present in population databases (gnomAD no frequency). This variant has not been reported in the literature in individuals affected with AIRE-related conditions. Invitae Evidence Modeling of protein sequence and biophysical properties (such as structural, functional, and spatial information, amino acid conservation, physicochemical variation, residue mobility, and thermodynamic stability) indicates that this missense variant is not expected to disrupt AIRE protein function with a negative predictive value of 95%. Experimental studies have shown that this missense change affects AIRE function (PMID: 22659170). In summary, the available evidence is currently insufficient to determine the role of this variant in disease. Therefore, it has been classified as a Variant of Uncertain Significance.

Literature cited by the submitters: PubMed 22659170.